The following is an entry in ClinVar:

ClinVar aggregate classification (germline): Likely pathogenic (1 of 4 stars; one submission).

Conditions:
Ataxia-telangiectasia syndrome (AT). Also called: Cerebello-oculocutaneous telangiectasia; Immunodeficiency with ataxia telangiectasia; Ataxia-telangiectasia; AT, COMPLEMENTATION GROUP C; Ataxia telangiectasia (A-T); LOUIS-BAR SYNDROME. Identifiers: Orphanet 100, MedGen C0004135, MONDO:0008840, OMIM 208900.

Submission:

Labcorp Genetics (formerly Invitae), Labcorp
Classification: Likely pathogenic for Ataxia-telangiectasia syndrome. Last evaluated: 2022-04-15. Review status: criteria provided, single submitter. Criteria: Invitae Variant Classification Sherloc (09022015). Collection method: clinical testing. Allele origin: germline.
Comment: This variant results in the deletion of part of exon 7 and exon 8 (c.734_1066-741del) of the ATM gene. RNA analysis indicates that this variant induces altered splicing and may result in an absent or disrupted protein product. This variant has not been reported in the literature in individuals affected with ATM-related conditions. Studies have shown that this variant results in skipping of exons 7 and 8 and introduces a premature termination codon (Invitae). The resulting mRNA is expected to undergo nonsense-mediated decay. In summary, the currently available evidence indicates that the variant is pathogenic, but additional data are needed to prove that conclusively. Therefore, this variant has been classified as Likely Pathogenic.

NC_000011.9:g.(?_108115586)_(108118919_?)del

Gene: ATM (ATM serine/threonine kinase; plus strand). Cytogenetic location: 11q22.3.
Variant type: Deletion.
Identifiers: ClinVar variation 2422231 (VCV002422231.4).